The following is an entry in ClinVar:

NM_002382.5(MAX):c.428A>G (p.Glu143Gly)

Gene: MAX (MYC associated transcriptional regulator X; minus strand). Cytogenetic location: 14q23.3.
Variant type: single nucleotide variant.
Coding change: c.428A>G on transcript NM_002382.5 (MANE Select); coding-DNA position 428, A replaced by G.
Protein change: p.Glu143Gly; replaces glutamic acid 143 with glycine.
Molecular consequence: missense variant. On other transcripts: 3 prime UTR variant (12), non-coding transcript variant (7), intron variant (2).
Genome position (GRCh38, 1-based): chr14:65,076,531, T>C on the plus strand (A>G on the coding strand, the complement: MAX is on the minus strand). VCF-style: chr14-65076531-T-C. GRCh37 (hg19) VCF-style: chr14-65543249-T-C.
Other names: c.*201A>G (NM_001407096.1, NM_001407099.1, NM_001407102.1 and 2 more transcripts); c.*217A>G (NM_001407097.1, NM_001407100.1, NM_001407101.1 and 4 more transcripts); c.320A>G, p.Glu107Gly (NM_001407098.1); c.239A>G, p.Glu80Gly (NM_001407105.1, NM_001407106.1, NM_001407107.1 and 1 more transcripts); c.227A>G, p.Glu76Gly (NM_001407111.1, NM_001407112.1); c.401A>G, p.Glu134Gly (NM_145112.3, NM_001407095.1); c.428A>G, p.Glu143Gly (NM_001407094.1); c.144+17177A>G (NM_001271069.2); and 1 more; short protein forms E107G, E134G, E143G, E76G, E80G.
Identifiers: ClinVar variation 4859552 (VCV004859552.1).
Genomic context (GRCh38, chr14:65,076,531, plus strand): 5'-GTGGCTTAGCTGGCCTCCATCCGGAGCTTCTTCCTGCTTTGGGGCTCTTCAGGCTCAGAC[T>C]CCGAGCTGGAGTCCGAGCCCCCATCGAAGGCAGAGATGGTGCTGCCCTTGGCGTTGGTGT-3'
Protein context (NP_002373.3, residues 133-153): AFDGGSDSSS[Glu143Gly]SEPEEPQSRK

ClinVar aggregate classification (germline): Uncertain significance (1 of 4 stars; one submission).

Conditions:
Hereditary cancer-predisposing syndrome. Also called: Neoplastic Syndromes, Hereditary; Tumor predisposition; Hereditary Cancer Syndrome; Hereditary neoplastic syndrome. Identifiers: Orphanet 140162, MedGen C0027672, MeSH D009386, MONDO:0015356.

Submission:

Ambry Genetics
Classification: Uncertain significance for Hereditary cancer-predisposing syndrome. Last evaluated: 2026-05-24. Review status: criteria provided, single submitter. Criteria: Ambry Variant Classification Scheme 2023. Collection method: clinical testing. Allele origin: germline.
Comment: The p.E143G variant (also known as c.428A>G), located in coding exon 5 of the MAX gene, results from an A to G substitution at nucleotide position 428. The glutamic acid at codon 143 is replaced by glycine, an amino acid with similar properties. This amino acid position is conserved. In addition, the in silico prediction for this alteration is inconclusive. Based on the available evidence, the clinical significance of this variant remains unclear.